The following is an entry in ClinVar:

NM_006996.3(SLC19A2):c.1031-106T>C

Gene: SLC19A2 (solute carrier family 19 member 2; minus strand). Cytogenetic location: 1q24.2.
Variant type: single nucleotide variant.
Coding change: c.1031-106T>C on transcript NM_006996.3 (MANE Select); 106 bases into the intron before coding-DNA position 1031, T replaced by C.
Molecular consequence: intron variant.
Genome position (GRCh38, 1-based): chr1:169,468,942, A>G on the plus strand (T>C on the coding strand, the complement: SLC19A2 is on the minus strand). VCF-style: chr1-169468942-A-G. GRCh37 (hg19) VCF-style: chr1-169438180-A-G.
Other names: c.428-106T>C (NM_001319667.1).
Identifiers: ClinVar variation 676194 (VCV000676194.1), dbSNP rs3737683, ClinGen allele CA32436586.
Genomic context (GRCh38, chr1:169,468,942, plus strand): 5'-CTGTTGCAATAAATTAAAAACTCAGCTTAGATTATTAAATTTTAAAATCTGCAAACTTAT[A>G]AACAGAATAGCTCAAGATTATGGAGGGCCTTGAAACTCACACAGAAATTTCTGAACTTGA-3'

ClinVar aggregate classification (germline): Benign (1 of 4 stars; one submission).

Allele frequency attached by ClinVar (database versions not stated): gnomAD 0.05996 and 0.06168; TOPMed 0.06649; 1000 Genomes Project 0.08886; 1000 Genomes Project 30x 0.09010.
gnomAD v4.1: 51,657 of 982,534 alleles (5.3%); highest among the groups gnomAD compares: Middle Eastern, 11%; 1,755 homozygotes.

Submission:

GeneDx
Classification: Benign. Last evaluated: 2018-06-16. Review status: criteria provided, single submitter. Criteria: GeneDx Variant Classification (06012015). Collection method: clinical testing. Allele origin: germline. Affected: yes.
Comment: This variant is considered likely benign or benign based on one or more of the following criteria: it is a conservative change, it occurs at a poorly conserved position in the protein, it is predicted to be benign by multiple in silico algorithms, and/or has population frequency not consistent with disease.